The following is an entry in ClinVar:

ClinVar aggregate classification (germline): Likely benign. Review status: criteria provided, multiple submitters, no conflicts (2 of 4 stars). 3 submissions from 3 submitters: Likely benign (3). Last evaluated 2023-11-20.

Conditions:
Familial thoracic aortic aneurysm and aortic dissection (TAAD). Also called: Thoracic aortic aneurysms and dissections. Identifiers: Orphanet 91387, MedGen C4707243, MONDO:0019625.
Marfan syndrome (MFS). Also called: MARFAN SYNDROME, TYPE I; Marfan syndrome type 1; Marfan's syndrome; Marfan syndrome, classic; FBN1-Related Marfan Syndrome. Identifiers: Orphanet 284963, Orphanet 558, MedGen C0024796, MONDO:0007947, OMIM 154700.

Allele frequency attached by ClinVar (database versions not stated): gnomAD exomes below 0.00001; TOPMed 0.00002; gnomAD 0.00005.
gnomAD v4.1: 14 of 1,613,856 alleles (0.00087%); highest among the groups gnomAD compares: Admixed American, 0.023%; no homozygotes.

Submissions (3):

All of Us Research Program, National Institutes of Health
Classification: Likely benign for Marfan syndrome. Last evaluated: 2023-11-20. Review status: criteria provided, single submitter. Criteria: ACMG Guidelines, 2015. Collection method: clinical testing. Allele origin: germline. Inheritance: Autosomal dominant inheritance. Observed: 3 variant alleles, 3 heterozygotes.
Comment: This study involves interpretation of variants in research participants for the purpose of population health screening. Participant phenotype was not available at the time of variant classification. Additional details can be found in publication PMID: 35346344, PMCID: PMC8962531

Color Diagnostics, LLC DBA Color Health
Classification: Likely benign for Familial thoracic aortic aneurysm and aortic dissection. Last evaluated: 2023-05-03. Review status: criteria provided, single submitter. Criteria: ACMG Guidelines, 2015. Collection method: clinical testing. Allele origin: germline.

Labcorp Genetics (formerly Invitae), Labcorp
Classification: Likely benign for Marfan syndrome; Familial thoracic aortic aneurysm and aortic dissection. Last evaluated: 2022-10-06. Review status: criteria provided, single submitter. Criteria: Invitae Variant Classification Sherloc (09022015). Collection method: clinical testing. Allele origin: germline.

NM_000138.5(FBN1):c.102G>C (p.Val34=)

Gene: FBN1 (fibrillin 1; minus strand). Cytogenetic location: 15q21.1.
Variant type: single nucleotide variant.
Coding change: c.102G>C on transcript NM_000138.5 (MANE Select); coding-DNA position 102, G replaced by C.
Protein change: p.Val34=; no amino-acid change (valine 34 retained).
Molecular consequence: synonymous variant.
Genome position (GRCh38, 1-based): chr15:48,644,668, C>G on the plus strand (G>C on the coding strand, the complement: FBN1 is on the minus strand). VCF-style: chr15-48644668-C-G. GRCh37 (hg19) VCF-style: chr15-48936865-C-G.
Other names: c.102G>C, p.Val34= (NM_001406716.1, NM_001406717.1, NM_001406718.1).
Identifiers: ClinVar variation 2172200 (VCV002172200.6), dbSNP rs1294282675, ClinGen allele CA490090775.